The following is an entry in ClinVar:

NM_002354.3(EPCAM):c.524A>G (p.Gln175Arg)

Gene: EPCAM (epithelial cell adhesion molecule; plus strand). Cytogenetic location: 2p21.
Variant type: single nucleotide variant.
Coding change: c.524A>G on transcript NM_002354.3 (MANE Select); coding-DNA position 524, A replaced by G.
Protein change: p.Gln175Arg; replaces glutamine 175 with arginine.
Molecular consequence: missense variant.
Genome position (GRCh38, 1-based): chr2:47,377,046, A>G. VCF-style: chr2-47377046-A-G. GRCh37 (hg19) VCF-style: chr2-47604185-A-G.
Other names: short protein forms Q175R.
Identifiers: ClinVar variation 4249671 (VCV004249671.1).

ClinVar aggregate classification (germline): Uncertain significance (1 of 4 stars; one submission).

Conditions:
Hereditary cancer-predisposing syndrome. Also called: Hereditary Cancer Syndrome; Hereditary neoplastic syndrome; Neoplastic Syndromes, Hereditary; Tumor predisposition. Identifiers: Orphanet 140162, MedGen C0027672, MeSH D009386, MONDO:0015356.

Submission:

Ambry Genetics
Classification: Uncertain significance for Hereditary cancer-predisposing syndrome. Last evaluated: 2025-09-10. Review status: criteria provided, single submitter. Criteria: Ambry Variant Classification Scheme 2023. Collection method: clinical testing. Allele origin: germline.
Comment: The p.Q175R variant (also known as c.524A>G), located in coding exon 5 of the EPCAM gene, results from an A to G substitution at nucleotide position 524. The glutamine at codon 175 is replaced by arginine, an amino acid with highly similar properties. This amino acid position is conserved. In addition, this alteration is predicted to be tolerated by in silico analysis. Based on the available evidence, the clinical significance of this variant remains unclear.